The following is an entry in ClinVar:

NM_001184880.2(PCDH19):c.2453del (p.Gln818fs)

Genes: PCDH19 (protocadherin 19; minus strand), LOC125467768 (CDK7 strongly-dependent group 2 enhancer GRCh37_chrX:99657381-99658580; plus strand). Cytogenetic location: Xq22.1.
Variant type: Deletion.
Coding change: c.2453del on transcript NM_001184880.2 (MANE Select); coding-DNA position 2453, one base deleted (A; older notation c.2453delA).
Protein change: p.Gln818fs; shifts the reading frame from glutamine 818.
Molecular consequence: frameshift variant.
Genome position (GRCh38, 1-based): chrX:100,402,687, T deleted on the plus strand (A on the coding strand, the reverse complement: PCDH19 is on the minus strand). VCF-style (leftmost placement, unchanged base first): chrX-100402686-CT-C. GRCh37 (hg19) VCF-style: chrX-99657684-CT-C.
Other names: c.2312del, p.Gln771fs (NM_001105243.2, NM_020766.3); c.2453del (NM_001184880.1); short protein forms Q818fs, Q771fs.
Identifiers: ClinVar variation 465300 (VCV000465300.9), dbSNP rs1555984453, ClinGen allele CA658659027.
Genomic context (GRCh38, chrX:100,402,686, plus strand): 5'-CTGGTTCTCCACATTCAGGAAAGTGCTCTCAGAGCGGCGGCAGCCCAGGGGCAGCGTCTG[CT>C]GGTGGTAGTCAAAATAGTTGAGGGAGGAGGTCAGGGAAGAGCAACTGACAACGTTCATCT-3'

ClinVar aggregate classification (germline): Pathogenic (1 of 4 stars; one submission).

Conditions:
Developmental and epileptic encephalopathy, 9 (DEE9). Also called: Early infantile epileptic encephalopathy 9; EPILEPSY, FEMALE-RESTRICTED, WITH MENTAL RETARDATION; PCDH19-Related X-Linked Female-Limited Epilepsy with Mental Retardation; JUBERG-HELLMAN SYNDROME. Identifiers: Orphanet 101039, Orphanet 2076, MedGen C1848137, MONDO:0010246, OMIM 300088. Disease mechanism: loss of function.

Submission:

Labcorp Genetics (formerly Invitae), Labcorp
Classification: Pathogenic for Developmental and epileptic encephalopathy, 9. Last evaluated: 2024-11-12. Review status: criteria provided, single submitter. Criteria: Invitae Variant Classification Sherloc (09022015). Collection method: clinical testing. Allele origin: germline.
Comment: This sequence change creates a premature translational stop signal (p.Gln818Argfs*16) in the PCDH19 gene. It is expected to result in an absent or disrupted protein product. Loss-of-function variants in PCDH19 are known to be pathogenic (PMID: 21053371). This variant is not present in population databases (gnomAD no frequency). This variant has not been reported in the literature in individuals affected with PCDH19-related conditions. ClinVar contains an entry for this variant (Variation ID: 465300). Algorithms developed to predict the effect of sequence changes on RNA splicing suggest that this variant may create or strengthen a splice site. For these reasons, this variant has been classified as Pathogenic.

Literature cited by the submitters: PubMed 21053371.